The following is an entry in ClinVar:

ClinVar aggregate classification (germline): Uncertain significance (1 of 4 stars; one submission).

Conditions:
Malignant hyperthermia, susceptibility to, 5 (MHS5). Also called: CACNA1S-Related Malignant Hyperthermia Susceptibility. Identifiers: Orphanet 423, MedGen C1866077, MONDO:0011163, OMIM 601887.
Hypokalemic periodic paralysis, type 1. Also called: HypoPP; Hypokalemic Periodic Paralysis Type 1 (AD). Identifiers: Orphanet 681, MedGen C3714580, MONDO:0042979, OMIM 170400.

Submission:

Labcorp Genetics (formerly Invitae), Labcorp
Classification: Uncertain significance for Hypokalemic periodic paralysis, type 1; Malignant hyperthermia, susceptibility to, 5. Last evaluated: 2019-03-22. Review status: criteria provided, single submitter. Criteria: Invitae Variant Classification Sherloc (09022015). Collection method: clinical testing. Allele origin: germline.
Comment: In summary, the available evidence is currently insufficient to determine the role of this variant in disease. Therefore, it has been classified as a Variant of Uncertain Significance. Algorithms developed to predict the effect of missense changes on protein structure and function (SIFT, PolyPhen-2, Align-GVGD) all suggest that this variant is likely to be disruptive, but these predictions have not been confirmed by published functional studies and their clinical significance is uncertain. This variant has not been reported in the literature in individuals with CACNA1S-related disease. This variant is not present in population databases (ExAC no frequency). This sequence change replaces valine with aspartic acid at codon 1190 of the CACNA1S protein (p.Val1190Asp). The valine residue is highly conserved and there is a large physicochemical difference between valine and aspartic acid.

NM_000069.3(CACNA1S):c.3569T>A (p.Val1190Asp)

Gene: CACNA1S (calcium voltage-gated channel subunit alpha1 S; minus strand). Cytogenetic location: 1q32.1.
Variant type: single nucleotide variant.
Coding change: c.3569T>A on transcript NM_000069.3 (MANE Select); coding-DNA position 3569, T replaced by A.
Protein change: p.Val1190Asp; replaces valine 1190 with aspartic acid.
Molecular consequence: missense variant.
Genome position (GRCh38, 1-based): chr1:201,058,448, A>T on the plus strand (T>A on the coding strand, the complement: CACNA1S is on the minus strand). VCF-style: chr1-201058448-A-T. GRCh37 (hg19) VCF-style: chr1-201027576-A-T.
Other names: short protein forms V1190D.
Identifiers: ClinVar variation 658386 (VCV000658386.11), dbSNP rs1405148658, ClinGen allele CA344157523.